The following is an entry in ClinVar:

ClinVar aggregate classification (germline): Benign/Likely benign. Review status: criteria provided, multiple submitters, no conflicts (2 of 4 stars). 13 submissions from 13 submitters: Benign (1); Likely benign (11). 1 of the submissions does not count toward it. Last evaluated 2026-06-30.

Conditions:
MSH6-related disorder. Also called: MSH6-related condition; MSH6-Related disorders.
Hereditary nonpolyposis colorectal neoplasms. Identifiers: MedGen C0009405, MeSH D003123.
Mismatch repair cancer syndrome 3. Identifiers: MedGen C5436807, MONDO:0030841, OMIM 619097.
Hereditary cancer-predisposing syndrome. Also called: Neoplastic Syndromes, Hereditary; Tumor predisposition; Hereditary neoplastic syndrome; Hereditary Cancer Syndrome. Identifiers: Orphanet 140162, MedGen C0027672, MeSH D009386, MONDO:0015356.
Lynch syndrome. Identifiers: Orphanet 144, MedGen C4552100, MONDO:0005835. Disease mechanism: loss of function.
Lynch syndrome 5 (LYNCH5). Also called: Colorectal cancer, hereditary nonpolyposis, type 5; Hereditary non-polyposis colorectal cancer, type 5. Identifiers: Orphanet 144, MedGen C1833477, MONDO:0013710, OMIM 614350. Disease mechanism: loss of function.

Allele frequency attached by ClinVar (database versions not stated): gnomAD 0.00001 and 0.00002; gnomAD exomes 0.00002; TOPMed 0.00002; ExAC 0.00004; ESP Exome Variant Server 0.00008.
gnomAD v4.1: 23 of 1,563,162 alleles (0.0015%); highest among the groups gnomAD compares: Middle Eastern, 0.069%; no homozygotes.

Submissions (13):

PreventionGenetics, part of Exact Sciences
Classification: Likely benign for MSH6-related condition. Last evaluated: 2026-06-30. Review status: criteria provided, single submitter. Criteria: ACMG Guidelines, 2015. Collection method: clinical testing. Allele origin: germline.
Comment: This variant is classified as likely benign based on ACMG/AMP sequence variant interpretation guidelines (Richards et al. 2015 PMID: 25741868, with internal and published modifications).

Labcorp Genetics (formerly Invitae), Labcorp
Classification: Likely benign for Hereditary nonpolyposis colorectal neoplasms. Last evaluated: 2026-01-13. Review status: criteria provided, single submitter. Criteria: Invitae Variant Classification Sherloc (09022015). Collection method: clinical testing. Allele origin: germline.

Department of Pathology and Laboratory Medicine, Sinai Health System
Classification: Likely benign for Mismatch repair cancer syndrome 3. Last evaluated: 2024-06-10. Review status: criteria provided, single submitter. Criteria: ACMG Guidelines, 2015. Collection method: clinical testing. Allele origin: germline. Affected: yes.

All of Us Research Program, National Institutes of Health
Classification: Likely benign for Lynch syndrome. Last evaluated: 2023-12-18. Review status: criteria provided, single submitter. Criteria: ACMG Guidelines, 2015. Collection method: clinical testing. Allele origin: germline. Inheritance: Autosomal dominant inheritance. Observed: 6 variant alleles, 6 heterozygotes.
Comment: This study involves interpretation of variants in research participants for the purpose of population health screening. Participant phenotype was not available at the time of variant classification. Additional details can be found in publication PMID: 35346344, PMCID: PMC8962531

KCCC/NGS Laboratory, Kuwait Cancer Control Center
Classification: Likely benign for Lynch syndrome 5. Last evaluated: 2023-07-07. Review status: criteria provided, single submitter. Criteria: ACMG Guidelines, 2015. Collection method: clinical testing. Allele origin: germline. Affected: yes.

Myriad Genetics, Inc.
Classification: Benign for Lynch syndrome 5. Last evaluated: 2023-03-28. Review status: criteria provided, single submitter. Criteria: Myriad Autosomal Dominant, Autosomal Recessive and X-Linked Classification Criteria (2023). Collection method: clinical testing. Allele origin: unknown.
Comment: This variant is considered benign. This variant is a silent/synonymous amino acid change and it is not expected to impact splicing.

Women's Health and Genetics/Laboratory Corporation of America, LabCorp
Classification: Likely benign. Last evaluated: 2022-05-09. Review status: criteria provided, single submitter. Criteria: LabCorp Variant Classification Summary - May 2015. Collection method: clinical testing. Allele origin: germline.

Blueprint Genetics
Classification: Likely benign. Last evaluated: 2021-02-22. Review status: criteria provided, single submitter. Criteria: ACMG Guidelines, 2015. Collection method: clinical testing. Allele origin: germline.

GeneDx
Classification: Likely benign. Last evaluated: 2020-01-30. Review status: criteria provided, single submitter. Criteria: GeneDx Variant Classification Process June 2021. Collection method: clinical testing. Allele origin: germline. Affected: yes.

Mendelics
Classification: Likely benign for Lynch syndrome 5. Last evaluated: 2019-05-28. Review status: criteria provided, single submitter. Criteria: Mendelics Assertion Criteria 2017. Collection method: clinical testing. Allele origin: unknown.

Color Diagnostics, LLC DBA Color Health
Classification: Likely benign for Hereditary cancer-predisposing syndrome. Last evaluated: 2016-07-01. Review status: criteria provided, single submitter. Criteria: ACMG Guidelines, 2015. Collection method: clinical testing. Allele origin: germline.

Ambry Genetics
Classification: Likely benign for Hereditary cancer-predisposing syndrome. Last evaluated: 2015-12-09. Review status: criteria provided, single submitter. Criteria: Ambry Variant Classification Scheme 2023. Collection method: clinical testing. Allele origin: germline.

Counsyl
Classification: Likely benign for Lynch syndrome 5. Last evaluated: 2016-01-15. Review status: no assertion criteria provided. Collection method: clinical testing. Allele origin: unknown. Not counted in ClinVar's aggregate classification.

NM_000179.3(MSH6):c.2982C>T (p.Tyr994=)

Gene: MSH6 (mutS homolog 6; plus strand). Cytogenetic location: 2p16.3.
Variant type: single nucleotide variant.
Coding change: c.2982C>T on transcript NM_000179.3 (MANE Select); coding-DNA position 2982, C replaced by T.
Protein change: p.Tyr994=; no amino-acid change (tyrosine 994 retained).
Molecular consequence: synonymous variant.
Genome position (GRCh38, 1-based): chr2:47,800,965, C>T. VCF-style: chr2-47800965-C-T. GRCh37 (hg19) VCF-style: chr2-48028104-C-T.
Other names: c.2592C>T, p.Tyr864= (NM_001281492.2); c.2076C>T, p.Tyr692= (NM_001281493.2, NM_001281494.2).
Identifiers: ClinVar variation 183936 (VCV000183936.30), dbSNP rs367758473, ClinGen allele CA011265.